The following is an entry in ClinVar:

NM_001369.3(DNAH5):c.11506G>T (p.Val3836Phe)

Gene: DNAH5 (dynein axonemal heavy chain 5; minus strand). Cytogenetic location: 5p15.2.
Variant type: single nucleotide variant.
Coding change: c.11506G>T on transcript NM_001369.3 (MANE Select); coding-DNA position 11506, G replaced by T.
Protein change: p.Val3836Phe; replaces valine 3836 with phenylalanine.
Molecular consequence: missense variant.
Genome position (GRCh38, 1-based): chr5:13,735,882, C>A on the plus strand (G>T on the coding strand, the complement: DNAH5 is on the minus strand). VCF-style: chr5-13735882-C-A. GRCh37 (hg19) VCF-style: chr5-13735991-C-A.
Other names: c.11506G>T (NM_001369.2); short protein forms V3836F.
Identifiers: ClinVar variation 1011672 (VCV001011672.12), dbSNP rs201068342, ClinGen allele CA113927550.

ClinVar aggregate classification (germline): Uncertain significance. Review status: criteria provided, multiple submitters, no conflicts (2 of 4 stars). 4 submissions from 4 submitters: Uncertain significance (3). 1 of the submissions does not count toward it. Last evaluated 2025-03-12.

Conditions:
Primary ciliary dyskinesia. Also called: Ciliary dyskinesia. Identifiers: Orphanet 244, MedGen C0008780, MONDO:0016575, HP:0012265.
Primary ciliary dyskinesia 3. Identifiers: Orphanet 244, MedGen C1837618, MONDO:0012085, OMIM 608644.

Allele frequency attached by ClinVar (database versions not stated): gnomAD 0.00001; gnomAD exomes 0.00001; TOPMed 0.00002.
gnomAD v4.1: 11 of 1,614,006 alleles (0.00068%); highest among the groups gnomAD compares: Non-Finnish European, 0.00093%; no homozygotes.

Submissions (4):

GeneDx
Classification: Uncertain significance. Last evaluated: 2025-03-12. Review status: criteria provided, single submitter. Criteria: GeneDx Variant Classification Process June 2021. Collection method: clinical testing. Allele origin: germline. Affected: yes.
Comment: Identified in the heterozygous state without a second variant in a patient with atrial septal defect, cardiomegaly and developmental delays in published literature (PMID: 30029678); Not observed at significant frequency in large population cohorts (gnomAD); In silico analysis supports that this missense variant has a deleterious effect on protein structure/function; This variant is associated with the following publications: (PMID: 30029678)

Fulgent Genetics
Classification: Uncertain significance for Primary ciliary dyskinesia 3. Last evaluated: 2021-10-20. Review status: criteria provided, single submitter. Criteria: ACMG Guidelines, 2015. Collection method: clinical testing. Allele origin: unknown.

Labcorp Genetics (formerly Invitae), Labcorp
Classification: Uncertain significance for Primary ciliary dyskinesia. Last evaluated: 2021-08-31. Review status: criteria provided, single submitter. Criteria: Invitae Variant Classification Sherloc (09022015). Collection method: clinical testing. Allele origin: germline.
Comment: This sequence change replaces valine with phenylalanine at codon 3836 of the DNAH5 protein (p.Val3836Phe). The valine residue is highly conserved and there is a small physicochemical difference between valine and phenylalanine. This variant is not present in population databases (ExAC no frequency). This variant has not been reported in the literature in individuals affected with DNAH5-related conditions. Algorithms developed to predict the effect of missense changes on protein structure and function are either unavailable or do not agree on the potential impact of this missense change (SIFT: "Deleterious"; PolyPhen-2: "Benign"; Align-GVGD: "Class C0"). In summary, the available evidence is currently insufficient to determine the role of this variant in disease. Therefore, it has been classified as a Variant of Uncertain Significance.

Natera, Inc.
Classification: Uncertain significance for Primary ciliary dyskinesia. Last evaluated: 2020-02-21. Review status: no assertion criteria provided. Collection method: clinical testing. Allele origin: germline. Not counted in ClinVar's aggregate classification.